The following is an entry in ClinVar:

NM_025257.3(SLC44A4):c.568C>T (p.Pro190Ser)

Gene: SLC44A4 (solute carrier family 44 member 4; minus strand). Cytogenetic location: 6p21.33.
Variant type: single nucleotide variant.
Coding change: c.568C>T on transcript NM_025257.3 (MANE Select); coding-DNA position 568, C replaced by T.
Protein change: p.Pro190Ser; replaces proline 190 with serine.
Molecular consequence: missense variant.
Genome position (GRCh38, 1-based): chr6:31,871,523, G>A on the plus strand (C>T on the coding strand, the complement: SLC44A4 is on the minus strand). VCF-style: chr6-31871523-G-A. GRCh37 (hg19) VCF-style: chr6-31839300-G-A.
Other names: c.442C>T, p.Pro148Ser (NM_001178044.2); c.340C>T, p.Pro114Ser (NM_001178045.2); c.568C>T, p.Pro190Ser (NM_032794.1); short protein forms P148S, P190S, P114S.
Identifiers: ClinVar variation 2811061 (VCV002811061.3), dbSNP rs1472402453, ClinGen allele CA363375046.

ClinVar aggregate classification (germline): Uncertain significance (1 of 4 stars; one submission).

Submission:

Labcorp Genetics (formerly Invitae), Labcorp
Classification: Uncertain significance. Last evaluated: 2024-02-19. Review status: criteria provided, single submitter. Criteria: Invitae Variant Classification Sherloc (09022015). Collection method: clinical testing. Allele origin: germline.
Comment: This sequence change replaces proline, which is neutral and non-polar, with serine, which is neutral and polar, at codon 190 of the SLC44A4 protein (p.Pro190Ser). This variant is not present in population databases (gnomAD no frequency). This variant has not been reported in the literature in individuals affected with SLC44A4-related conditions. Advanced modeling of protein sequence and biophysical properties (such as structural, functional, and spatial information, amino acid conservation, physicochemical variation, residue mobility, and thermodynamic stability) performed at Invitae indicates that this missense variant is not expected to disrupt SLC44A4 protein function with a negative predictive value of 80%. In summary, the available evidence is currently insufficient to determine the role of this variant in disease. Therefore, it has been classified as a Variant of Uncertain Significance.